The following is an entry in ClinVar:

ClinVar aggregate classification (germline): Conflicting classifications of pathogenicity. Review status: criteria provided, conflicting classifications (1 of 4 stars). 3 submissions from 3 submitters: Uncertain significance (2); Likely benign (1). Last evaluated 2026-02-17.

Conditions:
Osteogenesis imperfecta type I (OI1). Also called: OI, TYPE I; OSTEOGENESIS IMPERFECTA TARDA; OSTEOGENESIS IMPERFECTA WITH BLUE SCLERAE; Osteogenesis imperfecta type 1; Lobstein's Disease; Lobstein disease. Identifiers: Orphanet 216796, Orphanet 666, MedGen C0023931, MONDO:0008146, OMIM 166200. Disease mechanism: loss of function.
Ehlers-Danlos syndrome, classic type, 1 (EDSCL1). Also called: EHLERS-DANLOS SYNDROME, GRAVIS TYPE; EHLERS-DANLOS SYNDROME, SEVERE CLASSIC TYPE; Ehlers-Danlos syndrome, type 1; EDS I; Ehlers-Danlos Syndrome, Classic Type, COL5A1-Related. Identifiers: MedGen C0268335, MONDO:0019567, OMIM 130000.
Ehlers-Danlos syndrome, cardiac valvular type. Identifiers: Orphanet 230851, MedGen C4303789, MONDO:0009159, OMIM 225320.

Allele frequency attached by ClinVar (database versions not stated): TOPMed below 0.00001.
gnomAD v4.1: 5 of 1,613,466 alleles (0.00031%); highest among the groups gnomAD compares: Middle Eastern, 0.05%; 1 homozygote.

Submissions (3):

Centre for Medical Genetics,  Mumbai
Classification: Likely benign for Ehlers-Danlos syndrome, cardiac valvular type. Last evaluated: 2026-02-17. Review status: criteria provided, single submitter. Criteria: ACMG Guidelines, 2015. Collection method: provider interpretation. Allele origin: germline. Inheritance: Autosomal recessive inheritance. Affected: no. Observed: 1 variant allele, 1 homozygote.
Comment: The variant satisfies PM2 criteria; Extremely low frequency in gnomAD population databases. The variant satisfies PM1 criteria; Non-truncating non-synonymous variant is located in a mutational hot spot and/or critical and well-established functional domain. The variant satisfies PP2 criteria; Missense variant in a gene with low rate of benign missense mutations and for which missense mutation is a common mechanism of a disease. The variant satisfies PP3 criteria; For a missense or a splicing region variant, computational prediction tools unanimously support a deleterious effect on the gene. The variant satisfies BS2 criteria; Variant was observed in a homozygous state in population databases more than expected for disease However, the variant satisfies BS2 criteria.

Labcorp Genetics (formerly Invitae), Labcorp
Classification: Uncertain significance for Osteogenesis imperfecta type I; Ehlers-Danlos syndrome, classic type, 1. Last evaluated: 2024-09-21. Review status: criteria provided, single submitter. Criteria: Invitae Variant Classification Sherloc (09022015). Collection method: clinical testing. Allele origin: germline.
Comment: This sequence change replaces arginine, which is basic and polar, with serine, which is neutral and polar, at codon 1258 of the COL1A2 protein (p.Arg1258Ser). This variant is present in population databases (rs766273613, gnomAD 0.0009%). This variant has not been reported in the literature in individuals affected with COL1A2-related conditions. ClinVar contains an entry for this variant (Variation ID: 1314346). Invitae Evidence Modeling of protein sequence and biophysical properties (such as structural, functional, and spatial information, amino acid conservation, physicochemical variation, residue mobility, and thermodynamic stability) indicates that this missense variant is expected to disrupt COL1A2 protein function with a positive predictive value of 95%. In summary, the available evidence is currently insufficient to determine the role of this variant in disease. Therefore, it has been classified as a Variant of Uncertain Significance.

GeneDx
Classification: Uncertain significance. Last evaluated: 2021-03-30. Review status: criteria provided, single submitter. Criteria: GeneDx Variant Classification Process June 2021. Collection method: clinical testing. Allele origin: germline. Affected: yes.
Comment: Has not been previously published as pathogenic or benign to our knowledge; Not observed at a significant frequency in large population cohorts (Lek et al., 2016); In silico analysis supports that this missense variant has a deleterious effect on protein structure/function; Not located in the triple helical region, where the majority of pathogenic missense variants occur (Stenson et al., 2014)

Literature cited by the submitters: PubMed 15077201 (cited by Centre for Medical Genetics,  Mumbai).

NM_000089.4(COL1A2):c.3772C>A (p.Arg1258Ser)

Gene: COL1A2 (collagen type I alpha 2 chain; plus strand). Cytogenetic location: 7q21.3.
Variant type: single nucleotide variant.
Coding change: c.3772C>A on transcript NM_000089.4 (MANE Select); coding-DNA position 3772, C replaced by A.
Protein change: p.Arg1258Ser; replaces arginine 1258 with serine.
Molecular consequence: missense variant.
Genome position (GRCh38, 1-based): chr7:94,429,248, C>A. VCF-style: chr7-94429248-C-A. GRCh37 (hg19) VCF-style: chr7-94058560-C-A.
Other names: short protein forms R1258S.
Identifiers: ClinVar variation 1314346 (VCV001314346.5), dbSNP rs766273613, ClinGen allele CA4347854.
Genomic context (GRCh38, chr7:94,429,248, plus strand): 5'-TTTGAATATAATGTAGAAGGAGTGACTTCCAAGGAAATGGCTACCCAACTTGCCTTCATG[C>A]GCCTGCTGGCCAACTATGCCTCTCAGAACATCACCTACCACTGCAAGAACAGCATTGCAT-3'
Protein context (NP_000080.2, residues 1248-1268): KEMATQLAFM[Arg1258Ser]LLANYASQNI